The following is an entry in ClinVar:

ClinVar aggregate classification (germline): Uncertain significance (1 of 4 stars; one submission).

Allele frequency attached by ClinVar (database versions not stated): gnomAD 0.00001; gnomAD exomes 0.00001; TOPMed 0.00001.
gnomAD v4.1: 5 of 1,613,544 alleles (0.00031%); highest among the groups gnomAD compares: Non-Finnish European, 0.00042%; no homozygotes.

Submission:

Mayo Clinic Laboratories, Mayo Clinic
Classification: Uncertain significance. Last evaluated: 2022-05-13. Review status: criteria provided, single submitter. Criteria: ACMG Guidelines, 2015. Collection method: clinical testing. Allele origin: germline. Observed: 1 variant allele.
Comment: PM2

NM_012073.5(CCT5):c.205A>T (p.Thr69Ser)

Gene: CCT5 (chaperonin containing TCP1 subunit 5; plus strand). Cytogenetic location: 5p15.2.
Variant type: single nucleotide variant.
Coding change: c.205A>T on transcript NM_012073.5 (MANE Select); coding-DNA position 205, A replaced by T.
Protein change: p.Thr69Ser; replaces threonine 69 with serine.
Molecular consequence: missense variant. On other transcripts: intron variant (2).
Genome position (GRCh38, 1-based): chr5:10,254,712, A>T. VCF-style: chr5-10254712-A-T. GRCh37 (hg19) VCF-style: chr5-10254824-A-T.
Other names: p.Thr69Ser; c.142A>T, p.Thr48Ser (NM_001306153.1); c.91A>T, p.Thr31Ser (NM_001306156.2); c.166+507A>T (NM_001306154.2); c.52+507A>T (NM_001306155.2); short protein forms T31S, T48S, T69S.
Identifiers: ClinVar variation 2682881 (VCV002682881.1), dbSNP rs1745590005, ClinGen allele CA359180430.